The following is an entry in ClinVar:

NM_024867.4(SPEF2):c.3864C>T (p.Pro1288=)

Gene: SPEF2 (sperm flagellar and cilia associated 2; plus strand). Cytogenetic location: 5p13.2.
Variant type: single nucleotide variant.
Coding change: c.3864C>T on transcript NM_024867.4 (MANE Select); coding-DNA position 3864, C replaced by T.
Protein change: p.Pro1288=; no amino-acid change (proline 1288 retained).
Molecular consequence: synonymous variant.
Genome position (GRCh38, 1-based): chr5:35,771,671, C>T. VCF-style: chr5-35771671-C-T. GRCh37 (hg19) VCF-style: chr5-35771773-C-T.
Identifiers: ClinVar variation 2498970 (VCV002498970.29), dbSNP rs200436477, ClinGen allele CA3231244.

ClinVar aggregate classification (germline): Likely benign. Review status: criteria provided, multiple submitters, no conflicts (2 of 4 stars). 2 submissions from 2 submitters: Likely benign (2). Last evaluated 2026-06-01.

Allele frequency attached by ClinVar (database versions not stated): 1000 Genomes Project 30x 0.00031; 1000 Genomes Project 0.00040; TOPMed 0.00112; gnomAD 0.00154; gnomAD exomes 0.00165; ESP Exome Variant Server 0.00179; ExAC 0.00228.
gnomAD v4.1: 2,659 of 1,611,094 alleles (0.17%); highest among the groups gnomAD compares: Non-Finnish European, 0.2%; 5 homozygotes.

Submissions (2):

CeGaT Center for Human Genetics Tuebingen
Classification: Likely benign. Last evaluated: 2026-06-01. Review status: criteria provided, single submitter. Criteria: CeGaT Center For Human Genetics Tuebingen Variant Classification Criteria Version 2. Collection method: clinical testing. Allele origin: germline. Affected: yes. Observed: 4 variant alleles.
Comment: SPEF2: BP4, BP7

Blueprint Genetics
Classification: Likely benign. Last evaluated: 2024-11-26. Review status: criteria provided, single submitter. Criteria: ACMG Guidelines, 2015. Collection method: clinical testing. Allele origin: germline.